The following is an entry in ClinVar:

NM_000038.6(APC):c.8055T>C (p.Ser2685=)

Gene: APC (APC regulator of Wnt signaling pathway; plus strand). Cytogenetic location: 5q22.2.
Variant type: single nucleotide variant.
Coding change: c.8055T>C on transcript NM_000038.6 (MANE Select); coding-DNA position 8055, T replaced by C.
Protein change: p.Ser2685=; no amino-acid change (serine 2685 retained).
Molecular consequence: synonymous variant. On other transcripts: non-coding transcript variant (2).
Genome position (GRCh38, 1-based): chr5:112,843,649, T>C. VCF-style: chr5-112843649-T-C. GRCh37 (hg19) VCF-style: chr5-112179346-T-C.
Other names: c.8055T>C (NM_000038.5); c.8055T>C, p.Ser2685= (NM_001127510.3, NM_001354895.2, NM_001407450.1); c.8001T>C, p.Ser2667= (NM_001127511.3); c.8109T>C, p.Ser2703= (NM_001354896.2, NM_001407447.1, NM_001407448.1 and 1 more transcripts); c.8085T>C, p.Ser2695= (NM_001354897.2); c.7980T>C, p.Ser2660= (NM_001354898.2); c.7971T>C, p.Ser2657= (NM_001354899.2); c.7932T>C, p.Ser2644= (NM_001354900.2); and 12 more.
Identifiers: ClinVar variation 2895317 (VCV002895317.5), dbSNP rs2149998568, ClinGen allele CA446211044.

ClinVar aggregate classification (germline): Benign/Likely benign. Review status: criteria provided, multiple submitters, no conflicts (2 of 4 stars). 3 submissions from 3 submitters: Benign (1); Likely benign (2). Last evaluated 2024-04-12.

Conditions:
Familial adenomatous polyposis 1 (FAP1). Also called: POLYPOSIS, ADENOMATOUS INTESTINAL; FAMILIAL ADENOMATOUS POLYPOSIS 1, ATTENUATED. Identifiers: MedGen C2713442, MONDO:0021056, OMIM 175100. Disease mechanism: loss of function.
Hereditary cancer-predisposing syndrome. Also called: Neoplastic Syndromes, Hereditary; Hereditary neoplastic syndrome; Tumor predisposition; Hereditary Cancer Syndrome. Identifiers: Orphanet 140162, MedGen C0027672, MeSH D009386, MONDO:0015356.

Submissions (3):

Myriad Genetics, Inc.
Classification: Benign for Familial adenomatous polyposis 1. Last evaluated: 2024-04-12. Review status: criteria provided, single submitter. Criteria: Myriad Autosomal Dominant, Autosomal Recessive and X-Linked Classification Criteria (2023). Collection method: clinical testing. Allele origin: unknown.
Comment: This variant is considered benign. This variant is a silent/synonymous amino acid change and it is not expected to impact splicing.

Ambry Genetics
Classification: Likely benign for Hereditary cancer-predisposing syndrome. Last evaluated: 2024-01-01. Review status: criteria provided, single submitter. Criteria: Ambry Variant Classification Scheme 2023. Collection method: clinical testing. Allele origin: germline.

Labcorp Genetics (formerly Invitae), Labcorp
Classification: Likely benign for Familial adenomatous polyposis 1. Last evaluated: 2023-12-01. Review status: criteria provided, single submitter. Criteria: Invitae Variant Classification Sherloc (09022015). Collection method: clinical testing. Allele origin: germline.